The following is an entry in ClinVar:

NM_173354.5(SIK1):c.843G>T (p.Glu281Asp)

Gene: SIK1 (salt inducible kinase 1; minus strand). Cytogenetic location: 21q22.3.
Variant type: single nucleotide variant.
Coding change: c.843G>T on transcript NM_173354.5 (MANE Select); coding-DNA position 843, G replaced by T.
Protein change: p.Glu281Asp; replaces glutamic acid 281 with aspartic acid.
Molecular consequence: missense variant.
Genome position (GRCh38, 1-based): chr21:43,420,363, C>A on the plus strand (G>T on the coding strand, the complement: SIK1 is on the minus strand). VCF-style: chr21-43420363-C-A. GRCh37 (hg19) VCF-style: chr21-44840243-C-A.
Other names: short protein forms E281D.
Identifiers: ClinVar variation 4803225 (VCV004803225.1).

ClinVar aggregate classification (germline): Uncertain significance (1 of 4 stars; one submission).

Conditions:
Developmental and epileptic encephalopathy, 30 (DEE30). Also called: Epileptic encephalopathy, early infantile, 30. Identifiers: MedGen C4225360, MONDO:0014595, OMIM 616341.

Submission:

Labcorp Genetics (formerly Invitae), Labcorp
Classification: Uncertain significance for Developmental and epileptic encephalopathy, 30. Last evaluated: 2025-10-17. Review status: criteria provided, single submitter. Criteria: Invitae Variant Classification Sherloc (09022015). Collection method: clinical testing. Allele origin: germline.
Comment: This sequence change replaces glutamic acid, which is acidic and polar, with aspartic acid, which is acidic and polar, at codon 281 of the SIK1 protein (p.Glu281Asp). This variant is not present in population databases (gnomAD no frequency). This variant has not been reported in the literature in individuals affected with SIK1-related conditions. Invitae Evidence Modeling of protein sequence and biophysical properties (such as structural, functional, and spatial information, amino acid conservation, physicochemical variation, residue mobility, and thermodynamic stability) indicates that this missense variant is not expected to disrupt SIK1 protein function with a negative predictive value of 95%. In summary, the available evidence is currently insufficient to determine the role of this variant in disease. Therefore, it has been classified as a Variant of Uncertain Significance.